The following is an entry in ClinVar:

NM_004525.3(LRP2):c.5553C>T (p.His1851=)

Gene: LRP2 (LDL receptor related protein 2; minus strand). Cytogenetic location: 2q31.1.
Variant type: single nucleotide variant.
Coding change: c.5553C>T on transcript NM_004525.3 (MANE Select); coding-DNA position 5553, C replaced by T.
Protein change: p.His1851=; no amino-acid change (histidine 1851 retained).
Molecular consequence: synonymous variant.
Genome position (GRCh38, 1-based): chr2:169,220,549, G>A on the plus strand (C>T on the coding strand, the complement: LRP2 is on the minus strand). VCF-style: chr2-169220549-G-A. GRCh37 (hg19) VCF-style: chr2-170077059-G-A.
Identifiers: ClinVar variation 332158 (VCV000332158.35), dbSNP rs369998522, ClinGen allele CA1954498.

ClinVar aggregate classification (germline): Conflicting classifications of pathogenicity. Review status: criteria provided, conflicting classifications (1 of 4 stars). 7 submissions from 7 submitters: Uncertain significance (1); Likely benign (4). 2 of the submissions do not count toward it. Last evaluated 2026-01-09.

Conditions:
Donnai-Barrow syndrome. Also called: DBS/FOAR SYNDROME; FACIOOCULOACOUSTICORENAL SYNDROME. Identifiers: Orphanet 2143, MedGen C1857277, MONDO:0009104, OMIM 222448.

Allele frequency attached by ClinVar (database versions not stated): ESP Exome Variant Server 0.00008; gnomAD exomes 0.00010 and 0.00014; gnomAD 0.00011 and 0.00013; ExAC 0.00015; TOPMed 0.00015; 1000 Genomes Project 30x 0.00016; 1000 Genomes Project 0.00020.
gnomAD v4.1: 177 of 1,611,026 alleles (0.011%); highest among the groups gnomAD compares: Middle Eastern, 0.2%; no homozygotes.

Submissions (7):

Labcorp Genetics (formerly Invitae), Labcorp
Classification: Likely benign. Last evaluated: 2026-01-09. Review status: criteria provided, single submitter. Criteria: Invitae Variant Classification Sherloc (09022015). Collection method: clinical testing. Allele origin: germline.

Blueprint Genetics
Classification: Likely benign. Last evaluated: 2024-11-26. Review status: criteria provided, single submitter. Criteria: ACMG Guidelines, 2015. Collection method: clinical testing. Allele origin: germline.

CeGaT Center for Human Genetics Tuebingen
Classification: Likely benign. Last evaluated: 2024-08-01. Review status: criteria provided, single submitter. Criteria: CeGaT Center For Human Genetics Tuebingen Variant Classification Criteria Version 2. Collection method: clinical testing. Allele origin: germline. Affected: yes. Observed: 1 variant allele.
Comment: LRP2: BP4, BP7

Genome-Nilou Lab
Classification: Likely benign for Donnai-Barrow syndrome. Last evaluated: 2021-07-15. Review status: criteria provided, single submitter. Criteria: ACMG Guidelines, 2015. Collection method: clinical testing. Allele origin: germline. Affected: no.

Illumina Laboratory Services, Illumina
Classification: Uncertain significance for Donnai-Barrow syndrome. Last evaluated: 2018-01-12. Review status: criteria provided, single submitter. Criteria: ICSL Variant Classification Criteria 13 December 2019. Collection method: clinical testing. Allele origin: germline.

Clinical Genetics DNA and cytogenetics Diagnostics Lab, Erasmus MC, Erasmus Medical Center
Classification: Likely benign. Review status: no assertion criteria provided. Collection method: clinical testing. Allele origin: germline. Affected: yes. Study: VKGL Data-share Consensus. Not counted in ClinVar's aggregate classification.

Laboratory of Diagnostic Genome Analysis, Leiden University Medical Center (LUMC)
Classification: Likely benign. Review status: no assertion criteria provided. Collection method: clinical testing. Allele origin: germline. Affected: yes. Study: VKGL Data-share Consensus. Not counted in ClinVar's aggregate classification.